The following is an entry in ClinVar:

NM_000038.6(APC):c.5912C>A (p.Ser1971Tyr)

Gene: APC (APC regulator of Wnt signaling pathway; plus strand). Cytogenetic location: 5q22.2.
Variant type: single nucleotide variant.
Coding change: c.5912C>A on transcript NM_000038.6 (MANE Select); coding-DNA position 5912, C replaced by A.
Protein change: p.Ser1971Tyr; replaces serine 1971 with tyrosine.
Molecular consequence: missense variant.
Genome position (GRCh38, 1-based): chr5:112,841,506, C>A. VCF-style: chr5-112841506-C-A. GRCh37 (hg19) VCF-style: chr5-112177203-C-A.
Other names: c.5912C>A, p.Ser1971Tyr (NM_001127510.3, NM_001354895.2); c.5858C>A, p.Ser1953Tyr (NM_001127511.3); c.5966C>A, p.Ser1989Tyr (NM_001354896.2); c.5942C>A, p.Ser1981Tyr (NM_001354897.2); c.5837C>A, p.Ser1946Tyr (NM_001354898.2); c.5828C>A, p.Ser1943Tyr (NM_001354899.2); c.5789C>A, p.Ser1930Tyr (NM_001354900.2); c.5735C>A, p.Ser1912Tyr (NM_001354901.2); and 5 more; short protein forms S1953Y, S1971Y, S1989Y, S1688Y, S1880Y, S1811Y, S1870Y, S1930Y.
Identifiers: ClinVar variation 619773 (VCV000619773.24), dbSNP rs754691867, ClinGen allele CA16034265.

ClinVar aggregate classification (germline): Uncertain significance. Review status: criteria provided, multiple submitters, no conflicts (2 of 4 stars). 7 submissions from 7 submitters: Uncertain significance (7). Last evaluated 2026-01-19.

Conditions:
Classic or attenuated familial adenomatous polyposis. Identifiers: MedGen CN372698, MONDO:0021057.
Hereditary cancer-predisposing syndrome. Also called: Neoplastic Syndromes, Hereditary; Hereditary neoplastic syndrome; Tumor predisposition; Hereditary Cancer Syndrome. Identifiers: Orphanet 140162, MedGen C0027672, MeSH D009386, MONDO:0015356.
Familial adenomatous polyposis 1 (FAP1). Also called: FAMILIAL ADENOMATOUS POLYPOSIS 1, ATTENUATED; POLYPOSIS, ADENOMATOUS INTESTINAL. Identifiers: MedGen C2713442, MONDO:0021056, OMIM 175100. Disease mechanism: loss of function.

gnomAD v4.1: 3 of 1,613,128 alleles (0.00019%); highest among the groups gnomAD compares: Non-Finnish European, 0.000085%; no homozygotes.

Submissions (7):

Labcorp Genetics (formerly Invitae), Labcorp
Classification: Uncertain significance for Familial adenomatous polyposis 1. Last evaluated: 2026-01-19. Review status: criteria provided, single submitter. Criteria: Invitae Variant Classification Sherloc (09022015). Collection method: clinical testing. Allele origin: germline.
Comment: This sequence change replaces serine, which is neutral and polar, with tyrosine, which is neutral and polar, at codon 1971 of the APC protein (p.Ser1971Tyr). This variant is not present in population databases (gnomAD no frequency). This variant has not been reported in the literature in individuals affected with APC-related conditions. ClinVar contains an entry for this variant (Variation ID: 619773). Invitae Evidence Modeling of protein sequence and biophysical properties (such as structural, functional, and spatial information, amino acid conservation, physicochemical variation, residue mobility, and thermodynamic stability) indicates that this missense variant is not expected to disrupt APC protein function with a negative predictive value of 95%. In summary, the available evidence is currently insufficient to determine the role of this variant in disease. Therefore, it has been classified as a Variant of Uncertain Significance.

GeneDx
Classification: Uncertain significance. Last evaluated: 2025-08-07. Review status: criteria provided, single submitter. Criteria: GeneDx Variant Classification Process June 2021. Collection method: clinical testing. Allele origin: germline. Affected: yes.
Comment: Not observed at significant frequency in large population cohorts (gnomAD); In silico analysis supports that this missense variant has a deleterious effect on protein structure/function; This variant is associated with the following publications: (PMID: 23085758, 18199528)

Ambry Genetics
Classification: Uncertain significance for Hereditary cancer-predisposing syndrome. Last evaluated: 2025-03-07. Review status: criteria provided, single submitter. Criteria: Ambry Variant Classification Scheme 2023. Collection method: clinical testing. Allele origin: germline.
Comment: The p.S1971Y variant (also known as c.5912C>A), located in coding exon 15 of the APC gene, results from a C to A substitution at nucleotide position 5912. The serine at codon 1971 is replaced by tyrosine, an amino acid with dissimilar properties. This amino acid position is highly conserved in available vertebrate species. In addition, in silico predictors for this gene do not accurately predict pathogenicity. Missense alterations in APC are not a common cause of disease (Spier I et al. Genet Med. 2024 Feb;26(2):100992). Based on the available evidence, the clinical significance of this variant remains unclear.

Quest Diagnostics Nichols Institute San Juan Capistrano
Classification: Uncertain significance. Last evaluated: 2025-02-10. Review status: criteria provided, single submitter. Criteria: Quest Diagnostics criteria. Collection method: clinical testing. Allele origin: unknown.
Comment: The APC c.5912C>A (p.Ser1971Tyr) variant has been reported in the published literature as one of multiple APC variants identified in the tumor of an individual with sporadic colorectal cancer (PMID: 23085758 (2013)). This variant has not been reported in large, multi-ethnic general populations (Genome Aggregation Database). Analysis of this variant using bioinformatics tools for the prediction of the effect of amino acid changes on protein structure and function yielded predictions that this variant is damaging. Based on the available information, we are unable to determine the clinical significance of this variant.

Color Diagnostics, LLC DBA Color Health
Classification: Uncertain significance for Hereditary cancer-predisposing syndrome. Last evaluated: 2024-10-15. Review status: criteria provided, single submitter. Criteria: ACMG Guidelines, 2015. Collection method: clinical testing. Allele origin: germline.
Comment: This missense variant replaces serine with tyrosine at codon 1971 of the APC protein. Computational prediction is inconclusive regarding the impact of this variant on protein structure and function (internally defined REVEL score threshold 0.5 < inconclusive < 0.7, PMID: 27666373). To our knowledge, functional studies have not been reported for this variant. This variant has not been reported in individuals affected with APC-related disorders in the literature. This variant has not been identified in the general population by the Genome Aggregation Database (gnomAD). The available evidence is insufficient to determine the role of this variant in disease conclusively. Therefore, this variant is classified as a Variant of Uncertain Significance.

All of Us Research Program, National Institutes of Health
Classification: Uncertain significance for Classic or attenuated familial adenomatous polyposis. Last evaluated: 2023-08-28. Review status: criteria provided, single submitter. Criteria: ACMG Guidelines, 2015. Collection method: clinical testing. Allele origin: germline. Inheritance: Autosomal dominant inheritance. Observed: 1 variant allele, 1 heterozygote.
Comment: This missense variant replaces serine with tyrosine at codon 1971 of the APC protein. Computational prediction is inconclusive regarding the impact of this variant on protein structure and function (internally defined REVEL score threshold 0.5 < inconclusive < 0.7, PMID: 27666373). To our knowledge, functional studies have not been reported for this variant. This variant has not been reported in individuals affected with hereditary cancer in the literature. This variant has not been identified in the general population by the Genome Aggregation Database (gnomAD). The available evidence is insufficient to determine the role of this variant in disease conclusively. Therefore, this variant is classified as a Variant of Uncertain Significance.

This study involves interpretation of variants in research participants for the purpose of population health screening. Participant phenotype was not available at the time of variant classification. Additional details can be found in publication PMID: 35346344, PMCID: PMC8962531

Women's Health and Genetics/Laboratory Corporation of America, LabCorp
Classification: Uncertain significance. Last evaluated: 2017-10-26. Review status: criteria provided, single submitter. Criteria: LabCorp Variant Classification Summary - May 2015. Collection method: clinical testing. Allele origin: germline.
Comment: Variant summary: The APC c.5912C>A (p.Ser1971Tyr) variant located in the Adenomatous polyposis coli protein repeat domain (via InterPro) involves the alteration of a conserved nucleotide and 4/4 in silico tools predict a damaging outcome for this variant (SNPsandGO not captured due to low reliability index). However, these predictions have yet to be functionally assessed. This variant is absent in 276666 control chromosomes (gnomAD). A publication, Christie_2013, cites the variant in 1 CrC pt with limited information. In addition, the variant of interest has not, to our knowledge, been cited by reputable databases and/or clinical diagnostic laboratories. Therefore, until additional information becomes available (ie, clinical and/or functional studies), the variant of interest has been classified as a "Variant of Uncertain Significance (VUS)."

Literature cited by the submitters: PubMed 23085758 (cited by Quest Diagnostics Nichols Institute San Juan Capistrano and Women's Health and Genetics/Laboratory Corporation of America, LabCorp).